The following is an entry in ClinVar:

NM_003619.4(PRSS12):c.-10C>T

Gene: PRSS12 (serine protease 12; minus strand). Cytogenetic location: 4q26.
Variant type: single nucleotide variant.
Coding change: c.-10C>T on transcript NM_003619.4 (MANE Select); 10 bases upstream of the start codon, C replaced by T.
Molecular consequence: 5 prime UTR variant.
Genome position (GRCh38, 1-based): chr4:118,352,730, G>A on the plus strand (C>T on the coding strand, the complement: PRSS12 is on the minus strand). VCF-style: chr4-118352730-G-A. GRCh37 (hg19) VCF-style: chr4-119273885-G-A.
Identifiers: ClinVar variation 900824 (VCV000900824.4), dbSNP rs559605488, ClinGen allele CA3056052.

ClinVar aggregate classification (germline): Likely benign (1 of 4 stars; one submission).

Conditions:
Intellectual developmental disorder, autosomal recessive 1. Also called: Intellectual disability, autosomal recessive 1; MENTAL RETARDATION, AUTOSOMAL RECESSIVE 1. Identifiers: Orphanet 88616, MedGen C1855304, MONDO:0009580, OMIM 249500.

Allele frequency attached by ClinVar (database versions not stated): gnomAD 0.00021 and 0.00001; 1000 Genomes Project 0.00120; 1000 Genomes Project 30x 0.00125; TOPMed 0.00004; gnomAD exomes 0.00052; ExAC 0.00066.
gnomAD v4.1: 497 of 1,612,430 alleles (0.031%); highest among the groups gnomAD compares: South Asian, 0.5%; 5 homozygotes.

Submission:

Illumina Laboratory Services, Illumina
Classification: Likely benign for Intellectual developmental disorder, autosomal recessive 1. Last evaluated: 2018-01-13. Review status: criteria provided, single submitter. Criteria: ICSL Variant Classification Criteria 13 December 2019. Collection method: clinical testing. Allele origin: germline.
Comment: This variant was observed in the ICSL laboratory as part of a predisposition screen in an ostensibly healthy population. It had not been previously curated by ICSL or reported in the Human Gene Mutation Database (HGMD: prior to June 1st, 2018), and was therefore a candidate for classification through an automated scoring system. Utilizing variant allele frequency, disease prevalence and penetrance estimates, and inheritance mode, an automated score was calculated to assess if this variant is too frequent to cause the disease. Based on the score and internal cut-off values, a variant classified as likely benign is not then subjected to further curation. The score for this variant resulted in a classification of likely benign for this disease.